The following is an entry in ClinVar:

ClinVar aggregate classification (germline): Uncertain significance (1 of 4 stars; one submission).

Conditions:
Arrhythmogenic right ventricular dysplasia 9 (ARVD9). Also called: Arrhythmogenic Right Ventricular Dysplasia/Cardiomyopathy 9; ARRHYTHMOGENIC RIGHT VENTRICULAR DYSPLASIA, FAMILIAL, 9. Identifiers: MedGen C1836906, MONDO:0012180, OMIM 609040.

Submission:

Labcorp Genetics (formerly Invitae), Labcorp
Classification: Uncertain significance for Arrhythmogenic right ventricular dysplasia 9. Last evaluated: 2022-11-04. Review status: criteria provided, single submitter. Criteria: Invitae Variant Classification Sherloc (09022015). Collection method: clinical testing. Allele origin: germline.
Comment: This sequence change replaces leucine, which is neutral and non-polar, with isoleucine, which is neutral and non-polar, at codon 614 of the PKP2 protein (p.Leu614Ile). This variant is not present in population databases (gnomAD no frequency). This variant has not been reported in the literature in individuals affected with PKP2-related conditions. ClinVar contains an entry for this variant (Variation ID: 1393926). Algorithms developed to predict the effect of missense changes on protein structure and function are either unavailable or do not agree on the potential impact of this missense change (SIFT: "Deleterious"; PolyPhen-2: "Probably Damaging"; Align-GVGD: "Class C0"). In summary, the available evidence is currently insufficient to determine the role of this variant in disease. Therefore, it has been classified as a Variant of Uncertain Significance.

NM_001005242.3(PKP2):c.1708C>A (p.Leu570Ile)

Gene: PKP2 (plakophilin 2; minus strand). Cytogenetic location: 12p11.21.
Variant type: single nucleotide variant.
Coding change: c.1708C>A on transcript NM_001005242.3 (MANE Select); coding-DNA position 1708, C replaced by A.
Protein change: p.Leu570Ile; replaces leucine 570 with isoleucine.
Molecular consequence: missense variant.
Genome position (GRCh38, 1-based): chr12:32,822,598, G>T on the plus strand (C>A on the coding strand, the complement: PKP2 is on the minus strand). VCF-style: chr12-32822598-G-T. GRCh37 (hg19) VCF-style: chr12-32975532-G-T.
Other names: c.1840C>A, p.Leu614Ile (NM_004572.4); short protein forms L570I, L614I.
Identifiers: ClinVar variation 1393926 (VCV001393926.8), dbSNP rs1956392355, ClinGen allele CA384363446.